The following is an entry in ClinVar:

ClinVar aggregate classification (germline): Uncertain significance. Review status: criteria provided, multiple submitters, no conflicts (2 of 4 stars). 2 submissions from 2 submitters: Uncertain significance (2). Last evaluated 2023-04-11.

Conditions:
Inborn genetic diseases. Identifiers: MedGen C0950123, MeSH D030342.

Allele frequency attached by ClinVar (database versions not stated): TOPMed 0.00003; gnomAD exomes 0.00005; ExAC 0.00002; gnomAD 0.00004.
gnomAD v4.1: 69 of 1,607,584 alleles (0.0043%); highest among the groups gnomAD compares: Non-Finnish European, 0.0059%; no homozygotes.

Submissions (2):

Ambry Genetics
Classification: Uncertain significance for Inborn genetic diseases. Last evaluated: 2023-04-11. Review status: criteria provided, single submitter. Criteria: Ambry Variant Classification Scheme 2023. Collection method: clinical testing. Allele origin: germline.

Labcorp Genetics (formerly Invitae), Labcorp
Classification: Uncertain significance. Last evaluated: 2022-05-04. Review status: criteria provided, single submitter. Criteria: Invitae Variant Classification Sherloc (09022015). Collection method: clinical testing. Allele origin: germline.
Comment: In summary, the available evidence is currently insufficient to determine the role of this variant in disease. Therefore, it has been classified as a Variant of Uncertain Significance. Algorithms developed to predict the effect of missense changes on protein structure and function are either unavailable or do not agree on the potential impact of this missense change (SIFT: "Deleterious"; PolyPhen-2: "Possibly Damaging"; Align-GVGD: "Class C0"). This variant has not been reported in the literature in individuals affected with PLCE1-related conditions. This variant is present in population databases (rs751934950, gnomAD 0.004%). This sequence change replaces serine, which is neutral and polar, with cysteine, which is neutral and slightly polar, at codon 2069 of the PLCE1 protein (p.Ser2069Cys).

NM_016341.4(PLCE1):c.6206C>G (p.Ser2069Cys)

Genes: NOC3L (NOC3 like DNA replication regulator; minus strand), PLCE1 (phospholipase C epsilon 1; plus strand). Cytogenetic location: 10q23.33.
Variant type: single nucleotide variant.
Coding change: c.6206C>G on transcript NM_016341.4 (MANE Select); coding-DNA position 6206, C replaced by G.
Protein change: p.Ser2069Cys; replaces serine 2069 with cysteine.
Molecular consequence: missense variant.
Genome position (GRCh38, 1-based): chr10:94,316,620, C>G. VCF-style: chr10-94316620-C-G. GRCh37 (hg19) VCF-style: chr10-96076377-C-G.
Other names: c.6206C>G (NM_016341.3); c.5282C>G, p.Ser1761Cys (NM_001165979.2); c.6158C>G, p.Ser2053Cys (NM_001288989.2); short protein forms S2053C, S1761C, S2069C.
Identifiers: ClinVar variation 2078556 (VCV002078556.6), dbSNP rs751934950, ClinGen allele CA5613527.
Genomic context (GRCh38, chr10:94,316,620, plus strand): 5'-AACAAGACATCAAACCTGTTACCACAGACTATTTTTTGATGGAAGAAAAATATTTTATAT[C>G]TAAAGAAAAGAATGAATGTAGGAAACAACCATTCCAGAGAGCCATTGGTCCAGAAGAGGA-3'
Protein context (NP_057425.3, residues 2059-2079): YFLMEEKYFI[Ser2069Cys]KEKNECRKQP